The following is an entry in ClinVar:

ClinVar aggregate classification (germline): Uncertain significance (1 of 4 stars; one submission).

Conditions:
Charcot-Marie-Tooth disease recessive intermediate C. Also called: CHARCOT-MARIE-TOOTH NEUROPATHY, RECESSIVE INTERMEDIATE C. Identifiers: Orphanet 369867, MedGen C3809309, MONDO:0014154, OMIM 615376.
Neuronopathy, distal hereditary motor, autosomal recessive 4. Also called: Autosomal recessive lower motor neuron disease with childhood onset; NEUROPATHY, DISTAL HEREDITARY MOTOR, AUTOSOMAL RECESSIVE 4. Identifiers: Orphanet 206580, MedGen C1970211, MONDO:0012608, OMIM 611067.

gnomAD v4.1: 2 of 1,568,464 alleles (0.00013%); highest among the groups gnomAD compares: Non-Finnish European, 0.00017%; no homozygotes.

Submission:

Labcorp Genetics (formerly Invitae), Labcorp
Classification: Uncertain significance for Neuronopathy, distal hereditary motor, autosomal recessive 4; Charcot-Marie-Tooth disease recessive intermediate C. Last evaluated: 2021-08-27. Review status: criteria provided, single submitter. Criteria: Invitae Variant Classification Sherloc (09022015). Collection method: clinical testing. Allele origin: germline.
Comment: This sequence change replaces leucine with arginine at codon 960 of the PLEKHG5 protein (p.Leu960Arg). The leucine residue is weakly conserved and there is a moderate physicochemical difference between leucine and arginine. This variant is not present in population databases (ExAC no frequency). This variant has not been reported in the literature in individuals affected with PLEKHG5-related conditions. Algorithms developed to predict the effect of missense changes on protein structure and function (SIFT, PolyPhen-2, Align-GVGD) all suggest that this variant is likely to be tolerated. In summary, the available evidence is currently insufficient to determine the role of this variant in disease. Therefore, it has been classified as a Variant of Uncertain Significance.

NM_020631.6(PLEKHG5):c.2879T>G (p.Leu960Arg)

Gene: PLEKHG5 (pleckstrin homology and RhoGEF domain containing G5; minus strand). Cytogenetic location: 1p36.31.
Variant type: single nucleotide variant.
Coding change: c.2879T>G on transcript NM_020631.6 (MANE Select); coding-DNA position 2879, T replaced by G.
Protein change: p.Leu960Arg; replaces leucine 960 with arginine.
Molecular consequence: missense variant. On other transcripts: intron variant (1).
Genome position (GRCh38, 1-based): chr1:6,467,957, A>C on the plus strand (T>G on the coding strand, the complement: PLEKHG5 is on the minus strand). VCF-style: chr1-6467957-A-C. GRCh37 (hg19) VCF-style: chr1-6528017-A-C.
Other names: c.2990T>G, p.Leu997Arg (NM_001042663.3, NM_001265592.2); c.2879T>G, p.Leu960Arg (NM_001042664.2, NM_001042665.2, NM_198681.4); c.3086T>G, p.Leu1029Arg (NM_001265593.2); c.2738-59T>G (NM_001265594.3); short protein forms L1029R, L960R, L997R.
Identifiers: ClinVar variation 857657 (VCV000857657.14), dbSNP rs1320979244, ClinGen allele CA338114302.